The following is an entry in ClinVar:

NM_198129.4(LAMA3):c.8282C>T (p.Ser2761Leu)

Gene: LAMA3 (laminin subunit alpha 3; plus strand). Cytogenetic location: 18q11.2.
Variant type: single nucleotide variant.
Coding change: c.8282C>T on transcript NM_198129.4 (MANE Select); coding-DNA position 8282, C replaced by T.
Protein change: p.Ser2761Leu; replaces serine 2761 with leucine.
Molecular consequence: missense variant.
Genome position (GRCh38, 1-based): chr18:23,928,227, C>T. VCF-style: chr18-23928227-C-T. GRCh37 (hg19) VCF-style: chr18-21508191-C-T.
Other names: c.3455C>T, p.Ser1152Leu (NM_000227.6); c.8114C>T, p.Ser2705Leu (NM_001127717.4); c.3287C>T, p.Ser1096Leu (NM_001127718.4); short protein forms S2761L, S1152L, S1096L, S2705L.
Identifiers: ClinVar variation 326331 (VCV000326331.17), dbSNP rs144549206, ClinGen allele CA8916882.

ClinVar aggregate classification (germline): Conflicting classifications of pathogenicity. Review status: criteria provided, conflicting classifications (1 of 4 stars). 5 submissions from 4 submitters: Uncertain significance (3); Likely benign (2). Last evaluated 2026-01-29.

Conditions:
LAMA3-related disorder. Also called: LAMA3-related disorders; LAMA3-related condition.
Laryngo-onycho-cutaneous syndrome (JEB2C). Also called: EPIDERMOLYSIS BULLOSA, JUNCTIONAL 2C, LARYNGOONYCHOCUTANEOUS; SHABBIR SYNDROME; LOGIC SYNDROME. Identifiers: Orphanet 2407, MedGen C1328355, MONDO:0009513, OMIM 245660.
Junctional epidermolysis bullosa gravis of Herlitz. Also called: EPIDERMOLYSIS BULLOSA, JUNCTIONAL 1B, SEVERE; Epidermolysis Bullosa Letalis; Herlitz-type junctional epidermolysis bullosa; EPIDERMOLYSIS BULLOSA JUNCTIONALIS, HERLITZ TYPE; EPIDERMOLYSIS BULLOSA, JUNCTIONAL, HERLITZ-PEARSON TYPE; JEB-HERLITZ TYPE. Identifiers: Orphanet 79404, MedGen C0079683, MONDO:0009182, OMIM 226700.
Junctional epidermolysis bullosa. Identifiers: Orphanet 305, MedGen C0079301, MONDO:0017612.

Allele frequency attached by ClinVar (database versions not stated): gnomAD exomes 0.00012 and 0.00023; gnomAD 0.00018 and 0.00019; TOPMed 0.00018; ExAC 0.00023; ESP Exome Variant Server 0.00023; 1000 Genomes Project 30x 0.00031; 1000 Genomes Project 0.00040.
gnomAD v4.1: 208 of 1,604,412 alleles (0.013%); highest among the groups gnomAD compares: Middle Eastern, 0.017%; no homozygotes.

Submissions (5):

Labcorp Genetics (formerly Invitae), Labcorp
Classification: Likely benign. Last evaluated: 2026-01-29. Review status: criteria provided, single submitter. Criteria: Invitae Variant Classification Sherloc (09022015). Collection method: clinical testing. Allele origin: germline.

PreventionGenetics, part of Exact Sciences
Classification: Likely benign for LAMA3-related condition. Last evaluated: 2025-10-27. Review status: criteria provided, single submitter. Criteria: ACMG Guidelines, 2015. Collection method: clinical testing. Allele origin: germline.
Comment: This variant is classified as likely benign based on ACMG/AMP sequence variant interpretation guidelines (Richards et al. 2015 PMID: 25741868, with internal and published modifications).

Department of Pathology and Laboratory Medicine, Sinai Health System
Classification: Uncertain significance for junctional epidermolysis bullosa. Last evaluated: 2021-02-22. Review status: criteria provided, single submitter. Criteria: ACMG Guidelines, 2015. Collection method: research. Allele origin: germline.

Illumina Laboratory Services, Illumina
Classification: Uncertain significance for Junctional epidermolysis bullosa gravis of Herlitz. Last evaluated: 2018-01-13. Review status: criteria provided, single submitter. Criteria: ICSL Variant Classification Criteria 13 December 2019. Collection method: clinical testing. Allele origin: germline.

Illumina Laboratory Services, Illumina
Classification: Uncertain significance for Laryngo-onycho-cutaneous syndrome. Last evaluated: 2018-01-13. Review status: criteria provided, single submitter. Criteria: ICSL Variant Classification Criteria 13 December 2019. Collection method: clinical testing. Allele origin: germline.